The following is an entry in ClinVar:

ClinVar aggregate classification (germline): Likely benign (1 of 4 stars; one submission).

gnomAD v4.1: 10 of 1,612,726 alleles (0.00062%); highest among the groups gnomAD compares: East Asian, 0.0022%; no homozygotes.

Submission:

Center for Genomic Medicine, Rigshospitalet, Copenhagen University Hospital
Classification: Likely benign. Last evaluated: 2025-12-29. Review status: criteria provided, single submitter. Criteria: ACMG Guidelines, 2015. Collection method: clinical testing. Allele origin: germline.
Comment: Classification criteria: BP4, BP7

NM_000179.3(MSH6):c.3801+32G>A

Gene: MSH6 (mutS homolog 6; plus strand). Cytogenetic location: 2p16.3.
Variant type: single nucleotide variant.
Coding change: c.3801+32G>A on transcript NM_000179.3 (MANE Select); 32 bases into the intron after coding-DNA position 3801, G replaced by A.
Molecular consequence: intron variant.
Genome position (GRCh38, 1-based): chr2:47,806,390, G>A. VCF-style: chr2-47806390-G-A. GRCh37 (hg19) VCF-style: chr2-48033529-G-A.
Other names: c.3801+32G>A (NM_001406809.1, NM_001406796.1, NM_001406808.1 and 1 more transcripts); c.2895+32G>A (NM_001406811.1, NM_001406814.1, NM_001281493.2 and 6 more transcripts); c.3504+32G>A (NM_001406805.1, NM_001406797.1, NM_001406801.1 and 10 more transcripts); c.3897+32G>A (NM_001406795.1, NM_001406802.1); c.3807+32G>A (NM_001406813.1); c.3276+32G>A (NM_001406807.1, NM_001406799.1, NM_001406806.1); c.3627+32G>A (NM_001406798.1); c.2937+32G>A (NM_001406803.1); and 7 more.
Identifiers: ClinVar variation 4539394 (VCV004539394.1).